The following is an entry in ClinVar:

NM_000278.5(PAX2):c.680A>G (p.His227Arg)

Gene: PAX2 (paired box 2; plus strand). Cytogenetic location: 10q24.31.
Variant type: single nucleotide variant.
Coding change: c.680A>G on transcript NM_000278.5 (MANE Select); coding-DNA position 680, A replaced by G.
Protein change: p.His227Arg; replaces histidine 227 with arginine.
Molecular consequence: missense variant.
Genome position (GRCh38, 1-based): chr10:100,806,493, A>G. VCF-style: chr10-100806493-A-G. GRCh37 (hg19) VCF-style: chr10-102566250-A-G.
Other names: c.773A>G, p.His258Arg (NM_001304569.2); c.749A>G, p.His250Arg (NM_003987.5, NM_003990.5); c.680A>G, p.His227Arg (NM_003988.5, NM_003989.5); short protein forms H227R, H250R, H258R.
Identifiers: ClinVar variation 2178352 (VCV002178352.4), dbSNP rs2493149395, ClinGen allele CA378258984.

ClinVar aggregate classification (germline): Uncertain significance (1 of 4 stars; one submission).

Conditions:
Renal coloboma syndrome (PAPRS). Also called: COLOBOMA OF OPTIC NERVE WITH RENAL DISEASE; OPTIC COLOBOMA, VESICOURETERAL REFLUX, AND RENAL ANOMALIES; OPTIC NERVE COLOBOMA WITH RENAL DISEASE; RENAL-COLOBOMA SYNDROME WITH MACULAR ABNORMALITIES; PAPILLORENAL SYNDROME WITH MILD OCULAR ABNORMALITIES; CONGENITAL ANOMALIES OF THE KIDNEY AND URINARY TRACT WITH OR WITHOUT OCULAR ABNORMALITIES. Identifiers: Orphanet 1475, MedGen C1852759, MONDO:0007352, OMIM 120330.
Focal segmental glomerulosclerosis 7 (FSGS7). Identifiers: Orphanet 656, MedGen C4014925, MONDO:0014451, OMIM 616002.

Submission:

Labcorp Genetics (formerly Invitae), Labcorp
Classification: Uncertain significance for Renal coloboma syndrome; Focal segmental glomerulosclerosis 7. Last evaluated: 2022-05-12. Review status: criteria provided, single submitter. Criteria: Invitae Variant Classification Sherloc (09022015). Collection method: clinical testing. Allele origin: germline.
Comment: Experimental studies and prediction algorithms are not available or were not evaluated, and the functional significance of this variant is currently unknown. In summary, the available evidence is currently insufficient to determine the role of this variant in disease. Therefore, it has been classified as a Variant of Uncertain Significance. This variant has not been reported in the literature in individuals affected with PAX2-related conditions. This variant is not present in population databases (gnomAD no frequency). This sequence change replaces histidine, which is basic and polar, with arginine, which is basic and polar, at codon 227 of the PAX2 protein (p.His227Arg).